The following is an entry in ClinVar:

ClinVar aggregate classification (germline): Uncertain significance (1 of 4 stars; one submission).

Submission:

CeGaT Center for Human Genetics Tuebingen
Classification: Uncertain significance. Last evaluated: 2025-05-01. Review status: criteria provided, single submitter. Criteria: CeGaT Center For Human Genetics Tuebingen Variant Classification Criteria Version 2. Collection method: clinical testing. Allele origin: germline. Affected: yes. Observed: 1 variant allele.
Comment: BIRC3: PM2, BP4

NM_001165.5(BIRC3):c.1033-7dup

Gene: BIRC3 (baculoviral IAP repeat containing 3; plus strand). Cytogenetic location: 11q22.2.
Variant type: Duplication.
Coding change: c.1033-7dup on transcript NM_001165.5 (MANE Select); 7 bases into the intron before coding-DNA position 1033, one base duplicated (T; older notation c.1033-7dupT).
Molecular consequence: intron variant.
Genome position (GRCh38, 1-based): chr11:102,328,890, T duplicated; the last of 10 consecutive T bases (chr11:102,328,881-102,328,890); duplicating any one gives the same sequence. VCF-style (leftmost placement, unchanged base first): chr11-102328880-A-AT. GRCh37 (hg19) VCF-style: chr11-102199611-A-AT.
Other names: c.1033-7dup (NM_182962.3).
Identifiers: ClinVar variation 3905243 (VCV003905243.6).